The following is an entry in ClinVar:

NM_003773.5(HYAL2):c.1200T>C (p.His400=)

Gene: HYAL2 (hyaluronidase 2; minus strand). Cytogenetic location: 3p21.31.
Variant type: single nucleotide variant.
Coding change: c.1200T>C on transcript NM_003773.5 (MANE Select); coding-DNA position 1200, T replaced by C.
Protein change: p.His400=; no amino-acid change (histidine 400 retained).
Molecular consequence: synonymous variant.
Genome position (GRCh38, 1-based): chr3:50,318,351, A>G on the plus strand (T>C on the coding strand, the complement: HYAL2 is on the minus strand). VCF-style: chr3-50318351-A-G. GRCh37 (hg19) VCF-style: chr3-50355782-A-G.
Other names: c.1200T>C, p.His400= (NM_033158.5).
Identifiers: ClinVar variation 3031271 (VCV003031271.2), dbSNP rs781994735, ClinGen allele CA2416097.
Genomic context (GRCh38, chr3:50,318,351, plus strand): 5'-GTGGTCAATGTCGGCCCAACTGAGCTCCCCCACAGGTCGCAGCTGGGGTTCACCAGGTGC[A>G]TGGCCAGGCACTAGGCGGAAACTGTTGGTGCTGAGATGCAGGAAGGTACTGGCACTGGGG-3'
Protein context (NP_003764.3, residues 390-410): STNSFRLVPG[His400=]APGEPQLRPV

ClinVar aggregate classification (germline): Likely benign (0 of 4 stars; one submission).

Conditions:
HYAL2-related disorder. Also called: HYAL2-related condition.

Allele frequency attached by ClinVar (database versions not stated): ExAC 0.00001; gnomAD exomes 0.00001; TOPMed 0.00001; gnomAD 0.00002.

Submission:

PreventionGenetics, part of Exact Sciences
Classification: Likely benign for HYAL2-related condition. Last evaluated: 2021-02-26. Review status: no assertion criteria provided. Collection method: clinical testing. Allele origin: germline.
Comment: This variant is classified as likely benign based on ACMG/AMP sequence variant interpretation guidelines (Richards et al. 2015 PMID: 25741868, with internal and published modifications).